The following is an entry in ClinVar:

ClinVar aggregate classification (germline): Uncertain significance. Review status: criteria provided, multiple submitters, no conflicts (2 of 4 stars). 2 submissions from 2 submitters: Uncertain significance (2). Last evaluated 2025-06-28.

Conditions:
Inborn genetic diseases. Identifiers: MedGen C0950123, MeSH D030342.

Submissions (2):

Ambry Genetics
Classification: Uncertain significance for Inborn genetic diseases. Last evaluated: 2025-06-28. Review status: criteria provided, single submitter. Criteria: Ambry Variant Classification Scheme 2023. Collection method: clinical testing. Allele origin: germline.
Comment: The p.D683G variant (also known as c.2048A>G), located in coding exon 20 of the ANKRD26 gene, results from an A to G substitution at nucleotide position 2048. The aspartic acid at codon 683 is replaced by glycine, an amino acid with similar properties. This amino acid position is conserved. In addition, this alteration is predicted to be tolerated by in silico analysis. Based on the available evidence, the clinical significance of this variant remains unclear.

Genetic Services Laboratory, University of Chicago
Classification: Uncertain significance. Last evaluated: 2021-03-12. Review status: criteria provided, single submitter. Criteria: ACMG Guidelines, 2015. Collection method: clinical testing. Allele origin: germline. Affected: no.

NM_014915.3(ANKRD26):c.2048A>G (p.Asp683Gly)

Gene: ANKRD26 (ankyrin repeat domain containing 26; minus strand). Cytogenetic location: 10p12.1.
Variant type: single nucleotide variant.
Coding change: c.2048A>G on transcript NM_014915.3 (MANE Select); coding-DNA position 2048, A replaced by G.
Protein change: p.Asp683Gly; replaces aspartic acid 683 with glycine.
Molecular consequence: missense variant.
Genome position (GRCh38, 1-based): chr10:27,043,539, T>C on the plus strand (A>G on the coding strand, the complement: ANKRD26 is on the minus strand). VCF-style: chr10-27043539-T-C. GRCh37 (hg19) VCF-style: chr10-27332468-T-C.
Other names: c.2045A>G, p.Asp682Gly (NM_001256053.2); short protein forms D682G, D683G.
Identifiers: ClinVar variation 1337875 (VCV001337875.5), dbSNP rs1340915495, ClinGen allele CA376368951.